The following is an entry in ClinVar:

NM_014363.6(SACS):c.3465_3466del (p.Trp1156fs)

Gene: SACS (sacsin molecular chaperone; minus strand). Cytogenetic location: 13q12.12.
Variant type: Deletion.
Coding change: c.3465_3466del on transcript NM_014363.6 (MANE Select); coding-DNA positions 3465 to 3466, 2 bases deleted (AT; older notation c.3465_3466delAT).
Protein change: p.Trp1156fs; shifts the reading frame from tryptophan 1156.
Molecular consequence: frameshift variant.
Genome position (GRCh38, 1-based): chr13:23,340,410-23,340,411, AT deleted on the plus strand (AT on the coding strand, the reverse complement: SACS is on the minus strand). VCF-style (leftmost placement, unchanged base first): chr13-23340409-CAT-C. GRCh37 (hg19) VCF-style: chr13-23914548-CAT-C.
Other names: c.3024_3025del, p.Trp1009fs (NM_001278055.2); c.3492_3493del, p.Trp1165fs (NM_001437336.1); c.3465_3466del (NM_014363.5); short protein forms W1009fs, W1156fs, W1165fs.
Identifiers: ClinVar variation 4077482 (VCV004077482.2).
Genomic context (GRCh38, chr13:23,340,409, plus strand): 5'-TCTCCTTTCCAGACCAAAGAGCCTGGATAATTTGGAGGCCTTTCCTTGCAGGCTGGAACC[CAT>C]TTTATTTTCTTCAATGTCATCTTTCCTTCAGATGATTGCAACAGTGTGTGATTCTTATTT-3'

ClinVar aggregate classification (germline): Likely pathogenic. Review status: criteria provided, multiple submitters, no conflicts (2 of 4 stars). 2 submissions from 2 submitters: Likely pathogenic (2). Last evaluated 2025-10-30.

Conditions:
Charlevoix-Saguenay spastic ataxia (SACS). Also called: AUTOSOMAL RECESSIVE SPASTIC ATAXIA OF CHARLEVOIX-SAGUENAY; Spastic ataxia of Charlevoix-Saguenay; SPASTIC ATAXIA 6, AUTOSOMAL RECESSIVE. Identifiers: Orphanet 98, MedGen C1849140, MONDO:0010041, OMIM 270550.

Submissions (2):

Natera, Inc.
Classification: Likely pathogenic for Charlevoix-Saguenay type spastic ataxia. Last evaluated: 2025-10-30. Review status: criteria provided, single submitter. Criteria: Natera Variant Classification Schema (03/2026). Collection method: clinical testing. Allele origin: germline.
Comment: The c.3465_3466del variant in SACS is a frameshift variant predicted to shift the reading frame beginning at codon 1156 and leads to a stop codon 23 codons downstream. This variant is expected to result in nonsense mediated decay, truncation, or a dysfunctional protein product. This variant is rare in the general population with a frequency below the threshold expected for the associated phenotype(s). Given the available evidence, this variant is classified as Likely Pathogenic.

Revvity Omics, Revvity
Classification: Likely pathogenic for Charlevoix-Saguenay spastic ataxia. Last evaluated: 2025-03-27. Review status: criteria provided, single submitter. Criteria: ACMG Guidelines, 2015. Collection method: clinical testing. Allele origin: germline.